The following is an entry in ClinVar:

ClinVar aggregate classification (germline): Uncertain significance (1 of 4 stars; one submission).

Submission:

Ambry Genetics
Classification: Uncertain significance. Last evaluated: 2026-03-23. Review status: criteria provided, single submitter. Criteria: Ambry Variant Classification Scheme 2023. Collection method: clinical testing. Allele origin: germline.
Comment: The p.A11D variant (also known as c.32C>A), located in coding exon 1 of the MLH3 gene, results from a C to A substitution at nucleotide position 32. The alanine at codon 11 is replaced by aspartic acid, an amino acid with dissimilar properties. This amino acid position is conserved. In addition, the in silico prediction for this alteration is inconclusive. Based on the available evidence, the clinical significance of this variant remains unclear.

NM_001040108.2(MLH3):c.32C>A (p.Ala11Asp)

Gene: MLH3 (mutL homolog 3; minus strand). Cytogenetic location: 14q24.3.
Variant type: single nucleotide variant.
Coding change: c.32C>A on transcript NM_001040108.2 (MANE Select); coding-DNA position 32, C replaced by A.
Protein change: p.Ala11Asp; replaces alanine 11 with aspartic acid.
Molecular consequence: missense variant.
Genome position (GRCh38, 1-based): chr14:75,049,624, G>T on the plus strand (C>A on the coding strand, the complement: MLH3 is on the minus strand). VCF-style: chr14-75049624-G-T. GRCh37 (hg19) VCF-style: chr14-75516327-G-T.
Other names: c.32C>A, p.Ala11Asp (NM_014381.3); short protein forms A11D.
Identifiers: ClinVar variation 4860166 (VCV004860166.1).